The following is an entry in ClinVar:

ClinVar aggregate classification (germline): Uncertain significance (1 of 4 stars; one submission).

Submission:

Women's Health and Genetics/Laboratory Corporation of America, LabCorp
Classification: Uncertain significance. Last evaluated: 2023-05-17. Review status: criteria provided, single submitter. Criteria: LabCorp Variant Classification Summary - May 2015. Collection method: clinical testing. Allele origin: germline.
Comment: Variant summary: ANK1 c.4642G>C (p.Asp1548His) results in a non-conservative amino acid change in the encoded protein sequence. Four of five in-silico tools predict a damaging effect of the variant on protein function. The variant was absent in 246638 control chromosomes (gnomAD). The available data on variant occurrences in the general population are insufficient to allow any conclusion about variant significance. To our knowledge, no occurrence of c.4642G>C in individuals affected with Hereditary Spherocytosis Type 1 and no experimental evidence demonstrating its impact on protein function have been reported. No clinical diagnostic laboratories have submitted clinical-significance assessments for this variant to ClinVar after 2014. Based on the evidence outlined above, the variant was classified as uncertain significance.

NM_000037.4(ANK1):c.4642G>C (p.Asp1548His)

Gene: ANK1 (ankyrin 1; minus strand). Cytogenetic location: 8p11.21.
Variant type: single nucleotide variant.
Coding change: c.4642G>C on transcript NM_000037.4 (MANE Select); coding-DNA position 4642, G replaced by C.
Protein change: p.Asp1548His; replaces aspartic acid 1548 with histidine.
Molecular consequence: missense variant. On other transcripts: intron variant (1).
Genome position (GRCh38, 1-based): chr8:41,672,808, C>G on the plus strand (G>C on the coding strand, the complement: ANK1 is on the minus strand). VCF-style: chr8-41672808-C-G. GRCh37 (hg19) VCF-style: chr8-41530326-C-G.
Other names: c.4765G>C, p.Asp1589His (NM_001142446.2); c.4642G>C, p.Asp1548His (NM_020475.3, NM_020476.3); c.4538-382G>C (NM_020477.3); short protein forms D1548H, D1589H.
Identifiers: ClinVar variation 2506087 (VCV002506087.1), dbSNP rs2487639732, ClinGen allele CA371054605.